The following is an entry in ClinVar:

ClinVar aggregate classification (germline): Uncertain significance (1 of 4 stars; one submission).

Conditions:
Alpha thalassemia-X-linked intellectual disability syndrome (ATRX). Also called: ATR-X syndrome; Alpha thalassemia mental retardation syndrome, nondeletion type, X-linked; XLMR hypotonic face syndrome; X-linked alpha-thalassemia-mental retardation syndrome; ALPHA-THALASSEMIA/IMPAIRED INTELLECTUAL DEVELOPMENT SYNDROME, X-LINKED; ALPHA-THALASSEMIA/MENTAL RETARDATION SYNDROME, X-LINKED. Identifiers: Orphanet 847, MedGen C1845055, MONDO:0010519, OMIM 301040.

Submission:

Labcorp Genetics (formerly Invitae), Labcorp
Classification: Uncertain significance for Alpha thalassemia-X-linked intellectual disability syndrome. Last evaluated: 2022-06-29. Review status: criteria provided, single submitter. Criteria: Invitae Variant Classification Sherloc (09022015). Collection method: clinical testing. Allele origin: germline.
Comment: This variant has not been reported in the literature in individuals affected with ATRX-related conditions. In summary, the available evidence is currently insufficient to determine the role of this variant in disease. Therefore, it has been classified as a Variant of Uncertain Significance. Advanced modeling of protein sequence and biophysical properties (such as structural, functional, and spatial information, amino acid conservation, physicochemical variation, residue mobility, and thermodynamic stability) performed at Invitae indicates that this missense variant is not expected to disrupt ATRX protein function. This variant is not present in population databases (gnomAD no frequency). This sequence change replaces leucine, which is neutral and non-polar, with serine, which is neutral and polar, at codon 331 of the ATRX protein (p.Leu331Ser).

NM_000489.6(ATRX):c.992T>C (p.Leu331Ser)

Gene: ATRX (ATRX chromatin remodeler; minus strand). Cytogenetic location: Xq21.1.
Variant type: single nucleotide variant.
Coding change: c.992T>C on transcript NM_000489.6 (MANE Select); coding-DNA position 992, T replaced by C.
Protein change: p.Leu331Ser; replaces leucine 331 with serine.
Molecular consequence: missense variant.
Genome position (GRCh38, 1-based): chrX:77,684,264, A>G on the plus strand (T>C on the coding strand, the complement: ATRX is on the minus strand). VCF-style: chrX-77684264-A-G. GRCh37 (hg19) VCF-style: chrX-76939756-A-G.
Other names: c.878T>C, p.Leu293Ser (NM_138270.5); short protein forms L331S, L293S.
Identifiers: ClinVar variation 1418763 (VCV001418763.11), dbSNP rs2148633005, ClinGen allele CA413719955.